The following is an entry in ClinVar:

NM_003097.6(SNRPN):c.346G>C (p.Ala116Pro)

Genes: SNHG14 (small nucleolar RNA host gene 14; plus strand), SNRPN (small nuclear ribonucleoprotein polypeptide N; plus strand), SNURF (SNRPN upstream open reading frame; plus strand). Cytogenetic location: 15q11.2.
Variant type: single nucleotide variant.
Coding change: c.346G>C on transcript NM_003097.6 (MANE Select); coding-DNA position 346, G replaced by C.
Protein change: p.Ala116Pro; replaces alanine 116 with proline.
Molecular consequence: missense variant. On other transcripts: non-coding transcript variant (1), 3 prime UTR variant (1).
Genome position (GRCh38, 1-based): chr15:24,976,955, G>C. VCF-style: chr15-24976955-G-C. GRCh37 (hg19) VCF-style: chr15-25222102-G-C.
Other names: c.346G>C, p.Ala116Pro (NM_001349454.2, NM_001349455.2, NM_001349465.2 and 99 more transcripts); c.358G>C, p.Ala120Pro (NM_001378251.1, NM_001378252.1, NM_001378253.1 and 2 more transcripts); c.322G>C, p.Ala108Pro (NM_001378256.1, NM_001378257.1, NM_001400767.1); c.82G>C, p.Ala28Pro (NM_001400768.1); c.*534G>C (NM_005678.5); short protein forms A108P, A116P, A120P, A28P.
Identifiers: ClinVar variation 4540194 (VCV004540194.1).
Genomic context (GRCh38, chr15:24,976,955, plus strand): 5'-CCACTTGCTGGAGCTGCTGGAGGCCCTGGGGTTGGTAGGGCAGCTGGTAGAGGAGTACCA[G>C]CTGGTGTGCCAATTCCCCAGGCCCCTGCTGGATTGGCAGGCCCTGTCCGAGGAGTTGGGG-3'
Protein context (NP_003088.1, residues 106-126): VGRAAGRGVP[Ala116Pro]GVPIPQAPAG

ClinVar aggregate classification (germline): Uncertain significance (1 of 4 stars; one submission).

gnomAD v4.1: 1 of 1,606,802 alleles (0.000062%); highest among the groups gnomAD compares: Non-Finnish European, 0.000085%; no homozygotes.

Submission:

GeneDx
Classification: Uncertain significance. Last evaluated: 2025-06-26. Review status: criteria provided, single submitter. Criteria: GeneDx Variant Classification Process June 2021. Collection method: clinical testing. Allele origin: germline. Affected: yes.
Comment: Not observed at significant frequency in large population cohorts (gnomAD); In silico analysis suggests that this missense variant does not alter protein structure/function; Has not been previously published as pathogenic or benign to our knowledge